The following is an entry in ClinVar:

NM_017780.4(CHD7):c.5367A>T (p.Glu1789Asp)

Gene: CHD7 (chromodomain helicase DNA binding protein 7; plus strand). Cytogenetic location: 8q12.2.
Variant type: single nucleotide variant.
Coding change: c.5367A>T on transcript NM_017780.4 (MANE Select); coding-DNA position 5367, A replaced by T.
Protein change: p.Glu1789Asp; replaces glutamic acid 1789 with aspartic acid.
Molecular consequence: missense variant. On other transcripts: intron variant (1).
Genome position (GRCh38, 1-based): chr8:60,849,117, A>T. VCF-style: chr8-60849117-A-T. GRCh37 (hg19) VCF-style: chr8-61761676-A-T.
Other names: c.5367A>T (NM_017780.3); c.1717-13112A>T (NM_001316690.1); short protein forms E1789D.
Identifiers: ClinVar variation 1478899 (VCV001478899.11), dbSNP rs1233584524, ClinGen allele CA371321226.

ClinVar aggregate classification (germline): Conflicting classifications of pathogenicity. Review status: criteria provided, conflicting classifications (1 of 4 stars). 4 submissions from 4 submitters: Uncertain significance (3); Benign (1). Last evaluated 2026-05-02.

Conditions:
Hypogonadotropic hypogonadism 5 with or without anosmia (KAL5). Also called: HYPOGONADOTROPIC HYPOGONADISM 5 WITH ANOSMIA; HYPOGONADOTROPHIC HYPOGONADISM 5 WITHOUT ANOSMIA; CHD7-Related GnRH Deficiency (Kallmann Syndrome 5). Identifiers: Orphanet 478, MedGen C3552553, MONDO:0012880, OMIM 612370. Disease mechanism: loss of function.
CHARGE syndrome (CHARGE). Also called: Coloboma, heart anomaly, choanal atresia, retardation, genital and ear anomalies; CHARGE association; Hall-Hittner syndrome; Hittner Hirsch Kreh syndrome; CHARGE ASSOCIATION--COLOBOMA, HEART ANOMALY, CHOANAL ATRESIA, RETARDATION, GENITAL AND EAR ANOMALIES. Identifiers: Orphanet 138, MedGen C0265354, MONDO:0008965.
Inborn genetic diseases. Identifiers: MedGen C0950123, MeSH D030342.
CHD7-related disorder. Also called: CHD7-related condition.

Allele frequency attached by ClinVar (database versions not stated): gnomAD 0.00001; gnomAD exomes 0.00001; TOPMed 0.00001.
gnomAD v4.1: 4 of 1,613,476 alleles (0.00025%); highest among the groups gnomAD compares: Admixed American, 0.0067%; no homozygotes.

Submissions (4):

PreventionGenetics, part of Exact Sciences
Classification: Uncertain significance for CHD7-related condition. Last evaluated: 2026-05-02. Review status: criteria provided, single submitter. Criteria: ACMG Guidelines, 2015. Collection method: clinical testing. Allele origin: germline.
Comment: The CHD7 c.5367A>T variant is predicted to result in the amino acid substitution p.Glu1789Asp. To our knowledge, this variant has not been reported in the literature. This variant is reported in 0.0058% of alleles in individuals of Latino descent in gnomAD. At this time, the clinical significance of this variant is uncertain due to the absence of conclusive functional and genetic evidence.

Ambry Genetics
Classification: Uncertain significance for Inborn genetic diseases. Last evaluated: 2025-12-04. Review status: criteria provided, single submitter. Criteria: Ambry Variant Classification Scheme 2023. Collection method: clinical testing. Allele origin: germline.

Fulgent Genetics
Classification: Uncertain significance for CHD7-related CHARGE syndrome; Hypogonadotropic hypogonadism 5 with or without anosmia. Last evaluated: 2024-05-13. Review status: criteria provided, single submitter. Criteria: ACMG Guidelines, 2015. Collection method: clinical testing. Allele origin: germline.

Labcorp Genetics (formerly Invitae), Labcorp
Classification: Benign for CHARGE syndrome. Last evaluated: 2023-07-07. Review status: criteria provided, single submitter. Criteria: Invitae Variant Classification Sherloc (09022015). Collection method: clinical testing. Allele origin: germline.